The following is an entry in ClinVar:

ClinVar aggregate classification (germline): Uncertain significance (1 of 4 stars; one submission).

Conditions:
Neurofibromatosis, type 1 (NF1). Also called: VON RECKLINGHAUSEN DISEASE; Peripheral type neurofibromatosis; NEUROFIBROMATOSIS, TYPE I, SOMATIC; Neurofibromatosis, type I. Identifiers: Orphanet 636, MedGen C0027831, MONDO:0018975, OMIM 162200. Disease mechanism: loss of function.

Submission:

Labcorp Genetics (formerly Invitae), Labcorp
Classification: Uncertain significance for Neurofibromatosis, type 1. Last evaluated: 2024-07-01. Review status: criteria provided, single submitter. Criteria: Invitae Variant Classification Sherloc (09022015). Collection method: clinical testing. Allele origin: germline.
Comment: This sequence change replaces isoleucine, which is neutral and non-polar, with threonine, which is neutral and polar, at codon 1782 of the NF1 protein (p.Ile1782Thr). This variant is not present in population databases (gnomAD no frequency). This variant has not been reported in the literature in individuals affected with NF1-related conditions. Advanced modeling of protein sequence and biophysical properties (such as structural, functional, and spatial information, amino acid conservation, physicochemical variation, residue mobility, and thermodynamic stability) performed at Invitae indicates that this missense variant is expected to disrupt NF1 protein function with a positive predictive value of 95%. In summary, the available evidence is currently insufficient to determine the role of this variant in disease. Therefore, it has been classified as a Variant of Uncertain Significance.

NM_001042492.3(NF1):c.5408T>C (p.Ile1803Thr)

Gene: NF1 (neurofibromin 1; plus strand). Cytogenetic location: 17q11.2.
Variant type: single nucleotide variant.
Coding change: c.5408T>C on transcript NM_001042492.3 (MANE Select); coding-DNA position 5408, T replaced by C.
Protein change: p.Ile1803Thr; replaces isoleucine 1803 with threonine.
Molecular consequence: missense variant.
Genome position (GRCh38, 1-based): chr17:31,327,638, T>C. VCF-style: chr17-31327638-T-C. GRCh37 (hg19) VCF-style: chr17-29654656-T-C.
Other names: c.5345T>C, p.Ile1782Thr (NM_000267.4); short protein forms I1782T, I1803T.
Identifiers: ClinVar variation 3630048 (VCV003630048.2).